The following is an entry in ClinVar:

NM_001048174.2(MUTYH):c.439G>T (p.Ala147Ser)

Gene: MUTYH (mutY DNA glycosylase; minus strand). Cytogenetic location: 1p34.1.
Variant type: single nucleotide variant.
Coding change: c.439G>T on transcript NM_001048174.2 (MANE Select); coding-DNA position 439, G replaced by T.
Protein change: p.Ala147Ser; replaces alanine 147 with serine.
Molecular consequence: missense variant. On other transcripts: non-coding transcript variant (2).
Genome position (GRCh38, 1-based): chr1:45,332,816, C>A on the plus strand (G>T on the coding strand, the complement: MUTYH is on the minus strand). VCF-style: chr1-45332816-C-A. GRCh37 (hg19) VCF-style: chr1-45798488-C-A.
Other names: c.439G>T, p.Ala147Ser (NM_001048171.2, NM_001048173.2, NM_001293195.2); c.442G>T, p.Ala148Ser (NM_001048172.2); c.523G>T, p.Ala175Ser (NM_001128425.2); c.484G>T, p.Ala162Ser (NM_001293190.2); c.472G>T, p.Ala158Ser (NM_001293191.2); c.163G>T, p.Ala55Ser (NM_001293192.2, NM_001293196.2); c.94G>T, p.Ala32Ser (NM_001350650.2, NM_001350651.2); c.514G>T, p.Ala172Ser (NM_012222.3); short protein forms A175S, A148S, A32S, A55S, A158S, A147S, A162S, A172S.
Identifiers: ClinVar variation 480003 (VCV000480003.26), dbSNP rs770478980, ClinGen allele CA058137.
Genomic context (GRCh38, chr1:45,332,816, plus strand): 5'-CCCTTACCTTCCGAGCTCCCTCCTGCAGCCGCCGGCCACGAGAATAGTAGCCCAGGCCAG[C>A]CCAGAGTTGATTCACCTCCTGTGGGTAGGATCAGAGGTCAAAGAGATCACCCGTCAGTCC-3'
Protein context (NP_001041639.1, residues 137-157): ASLEEVNQLW[Ala147Ser]GLGYYSRGRR

ClinVar aggregate classification (germline): Conflicting classifications of pathogenicity. Review status: criteria provided, conflicting classifications (1 of 4 stars). 7 submissions from 7 submitters: Uncertain significance (6); Benign (1). Last evaluated 2026-02-02.

Conditions:
MUTYH-related disorder. Also called: MUTYH-related condition; MUTYH-related disorders.
Gastric cancer. Also called: Stomach cancer; Malignant tumor of stomach. Identifiers: MedGen C0024623, MeSH D013274, MONDO:0001056, OMIM 613659, HP:0012126.
Familial adenomatous polyposis 2. Also called: ADENOMAS, MULTIPLE COLORECTAL, AUTOSOMAL RECESSIVE; MUTYH-associated polyposis; COLORECTAL ADENOMATOUS POLYPOSIS, AUTOSOMAL RECESSIVE; MYH-associated polyposis; Adenomas, multiple colorectal; FAP type 2. Identifiers: Orphanet 220460, Orphanet 247798, MedGen C3272841, MONDO:0012041, OMIM 608456.
Hereditary cancer-predisposing syndrome. Also called: Neoplastic Syndromes, Hereditary; Hereditary Cancer Syndrome; Tumor predisposition; Hereditary neoplastic syndrome. Identifiers: Orphanet 140162, MedGen C0027672, MeSH D009386, MONDO:0015356.

Allele frequency attached by ClinVar (database versions not stated): gnomAD exomes below 0.00001 and 0.00002; ExAC 0.00002; TOPMed 0.00003.
gnomAD v4.1: 5 of 1,614,216 alleles (0.00031%); highest among the groups gnomAD compares: East Asian, 0.011%; no homozygotes.

Submissions (7):

Labcorp Genetics (formerly Invitae), Labcorp
Classification: Uncertain significance for Familial adenomatous polyposis 2. Last evaluated: 2026-02-02. Review status: criteria provided, single submitter. Criteria: Invitae Variant Classification Sherloc (09022015). Collection method: clinical testing. Allele origin: germline.
Comment: This sequence change replaces alanine, which is neutral and non-polar, with serine, which is neutral and polar, at codon 175 of the MUTYH protein (p.Ala175Ser). This variant is present in population databases (rs770478980, gnomAD 0.03%). This variant has not been reported in the literature in individuals affected with MUTYH-related conditions. ClinVar contains an entry for this variant (Variation ID: 480003). An algorithm developed to predict the effect of missense changes on protein structure and function outputs the following: PolyPhen-2: "Benign". The serine amino acid residue is found in multiple mammalian species, which suggests that this missense change does not adversely affect protein function. In summary, the available evidence is currently insufficient to determine the role of this variant in disease. Therefore, it has been classified as a Variant of Uncertain Significance.

PreventionGenetics, part of Exact Sciences
Classification: Uncertain significance for MUTYH-related condition. Last evaluated: 2025-12-19. Review status: criteria provided, single submitter. Criteria: ACMG Guidelines, 2015. Collection method: clinical testing. Allele origin: germline.
Comment: The MUTYH c.523G>T variant is predicted to result in the amino acid substitution p.Ala175Ser. To our knowledge, this variant has not been reported in the literature. This variant is reported in 0.027% of alleles in individuals of East Asian descent in gnomAD. This variant is interpreted as uncertain by multiple laboratories in ClinVar (Variation ID: 480003). At this time, the clinical significance of this variant is uncertain due to the absence of conclusive functional and genetic evidence.

Ambry Genetics
Classification: Benign for Hereditary cancer-predisposing syndrome. Last evaluated: 2025-09-17. Review status: criteria provided, single submitter. Criteria: Ambry Variant Classification Scheme 2023. Collection method: clinical testing. Allele origin: germline.

All of Us Research Program, National Institutes of Health
Classification: Uncertain significance for Familial adenomatous polyposis 2. Last evaluated: 2024-07-10. Review status: criteria provided, single submitter. Criteria: ACMG Guidelines, 2015. Collection method: clinical testing. Allele origin: germline. Inheritance: Autosomal recessive inheritance. Observed: 2 variant alleles, 2 heterozygotes.
Comment: This missense variant replaces alanine with serine at codon 175 of the MUTYH protein. Computational prediction suggests that this variant may not impact protein structure and function (internally defined REVEL score threshold <= 0.5, PMID: 27666373). To our knowledge, functional studies have not been reported for this variant. In a large international case-control study, this variant was reported in 1/60466 breast cancer cases and 1/53461 controls (OR=0.884, 95%CI 0.055 to 14.136, p-value=1; PMID: 33471991). This variant has been identified in 5/251470 chromosomes in the general population by the Genome Aggregation Database (gnomAD). The available evidence is insufficient to determine the role of this variant in disease conclusively. Therefore, this variant is classified as a Variant of Uncertain Significance.

This study involves interpretation of variants in research participants for the purpose of population health screening. Participant phenotype was not available at the time of variant classification. Additional details can be found in publication PMID: 35346344, PMCID: PMC8962531

Fulgent Genetics
Classification: Uncertain significance for Familial adenomatous polyposis 2; Gastric cancer. Last evaluated: 2024-01-24. Review status: criteria provided, single submitter. Criteria: ACMG Guidelines, 2015. Collection method: clinical testing. Allele origin: germline.

Color Diagnostics, LLC DBA Color Health
Classification: Uncertain significance for Hereditary cancer-predisposing syndrome. Last evaluated: 2022-06-06. Review status: criteria provided, single submitter. Criteria: ACMG Guidelines, 2015. Collection method: clinical testing. Allele origin: germline.
Comment: This missense variant replaces alanine with serine at codon 175 of the MUTYH protein. Computational prediction suggests that this variant may not impact protein structure and function (internally defined REVEL score threshold <= 0.5, PMID: 27666373). To our knowledge, functional studies have not been reported for this variant. In a large international case-control study, this variant was reported in 1/60466 breast cancer cases and 1/53461 controls (OR=0.884, 95%CI 0.055 to 14.136, p-value=1; PMID: 33471991). This variant has been identified in 5/251470 chromosomes in the general population by the Genome Aggregation Database (gnomAD). The available evidence is insufficient to determine the role of this variant in disease conclusively. Therefore, this variant is classified as a Variant of Uncertain Significance.

Quest Diagnostics Nichols Institute San Juan Capistrano
Classification: Uncertain significance. Last evaluated: 2021-06-06. Review status: criteria provided, single submitter. Criteria: Quest Diagnostics criteria. Collection method: clinical testing. Allele origin: unknown.

Literature cited by the submitters: PubMed 40738107 (cited by Ambry Genetics); PubMed 33471991 (cited by All of Us Research Program, National Institutes of Health and Quest Diagnostics Nichols Institute San Juan Capistrano).